The following is an entry in ClinVar:

NM_001384140.1(PCDH15):c.1570C>A (p.Pro524Thr)

Gene: PCDH15 (protocadherin related 15; minus strand). Cytogenetic location: 10q21.1.
Variant type: single nucleotide variant.
Coding change: c.1570C>A on transcript NM_001384140.1 (MANE Select); coding-DNA position 1570, C replaced by A.
Protein change: p.Pro524Thr; replaces proline 524 with threonine.
Molecular consequence: missense variant.
Genome position (GRCh38, 1-based): chr10:54,183,464, G>T on the plus strand (C>A on the coding strand, the complement: PCDH15 is on the minus strand). VCF-style: chr10-54183464-G-T. GRCh37 (hg19) VCF-style: chr10-55943224-G-T.
Other names: c.1585C>A, p.Pro529Thr (NM_001142763.2, NM_001142771.2); c.1570C>A, p.Pro524Thr (NM_001142764.2, NM_001142765.2, NM_001142766.2 and 6 more transcripts); c.1459C>A, p.Pro487Thr (NM_001142767.2); c.1504C>A, p.Pro502Thr (NM_001142768.2, NM_001142773.2, NM_001354404.2); c.1606C>A, p.Pro536Thr (NM_001142769.4); c.1591C>A, p.Pro531Thr (NM_001354411.2); short protein forms P529T, P531T, P487T, P524T, P536T, P502T.
Identifiers: ClinVar variation 844854 (VCV000844854.6), dbSNP rs751255567, ClinGen allele CA5506339.

ClinVar aggregate classification (germline): Uncertain significance. Review status: criteria provided, multiple submitters, no conflicts (2 of 4 stars). 2 submissions from 2 submitters: Uncertain significance (2). Last evaluated 2025-08-24.

Conditions:
Inborn genetic diseases. Identifiers: MedGen C0950123, MeSH D030342.

Allele frequency attached by ClinVar (database versions not stated): TOPMed below 0.00001; ExAC 0.00001; gnomAD exomes 0.00001.
gnomAD v4.1: 3 of 1,613,162 alleles (0.00019%); highest among the groups gnomAD compares: Admixed American, 0.005%; no homozygotes.

Submissions (2):

Ambry Genetics
Classification: Uncertain significance for Inborn genetic diseases. Last evaluated: 2025-08-24. Review status: criteria provided, single submitter. Criteria: Ambry Variant Classification Scheme 2023. Collection method: clinical testing. Allele origin: germline.

Labcorp Genetics (formerly Invitae), Labcorp
Classification: Uncertain significance. Last evaluated: 2024-03-11. Review status: criteria provided, single submitter. Criteria: Invitae Variant Classification Sherloc (09022015). Collection method: clinical testing. Allele origin: germline.
Comment: This sequence change replaces proline, which is neutral and non-polar, with threonine, which is neutral and polar, at codon 524 of the PCDH15 protein (p.Pro524Thr). This variant is present in population databases (rs751255567, gnomAD 0.006%). This variant has not been reported in the literature in individuals affected with PCDH15-related conditions. ClinVar contains an entry for this variant (Variation ID: 844854). Advanced modeling of protein sequence and biophysical properties (such as structural, functional, and spatial information, amino acid conservation, physicochemical variation, residue mobility, and thermodynamic stability) performed at Invitae indicates that this missense variant is not expected to disrupt PCDH15 protein function with a negative predictive value of 80%. In summary, the available evidence is currently insufficient to determine the role of this variant in disease. Therefore, it has been classified as a Variant of Uncertain Significance.